The following is an entry in ClinVar:

NM_024642.5(GALNT12):c.600C>A (p.Ile200=)

Gene: GALNT12 (polypeptide N-acetylgalactosaminyltransferase 12; plus strand). Cytogenetic location: 9q22.33.
Variant type: single nucleotide variant.
Coding change: c.600C>A on transcript NM_024642.5 (MANE Select); coding-DNA position 600, C replaced by A.
Protein change: p.Ile200=; no amino-acid change (isoleucine 200 retained).
Molecular consequence: synonymous variant.
Genome position (GRCh38, 1-based): chr9:98,826,810, C>A. VCF-style: chr9-98826810-C-A. GRCh37 (hg19) VCF-style: chr9-101589092-C-A.
Identifiers: ClinVar variation 1751056 (VCV001751056.3), dbSNP rs1285613170, ClinGen allele CA466423770.

ClinVar aggregate classification (germline): Benign/Likely benign. Review status: criteria provided, multiple submitters, no conflicts (2 of 4 stars). 2 submissions from 2 submitters: Benign (1); Likely benign (1). Last evaluated 2026-04-24.

Conditions:
Colorectal cancer, susceptibility to, 1. Also called: COLORECTAL ADENOMA AND CANCER, SUSCEPTIBILITY TO; COLORECTAL CANCER, SUSCEPTIBILITY TO, ON CHROMOSOME 9. Identifiers: MedGen C1837315, MONDO:0012132, OMIM 608812.

Allele frequency attached by ClinVar (database versions not stated): gnomAD exomes 0.00001; TOPMed below 0.00001.

Submissions (2):

Myriad Genetics, Inc.
Classification: Benign for Colorectal cancer, susceptibility to, 1. Last evaluated: 2026-04-24. Review status: criteria provided, single submitter. Criteria: Myriad Autosomal Dominant, Autosomal Recessive and X-Linked Classification Criteria (2023). Collection method: clinical testing. Allele origin: unknown.
Comment: This variant is considered benign. This variant is a silent/synonymous amino acid change and it is not expected to impact splicing.

Ambry Genetics
Classification: Likely benign. Last evaluated: 2021-08-24. Review status: criteria provided, single submitter. Criteria: Ambry Variant Classification Scheme 2023. Collection method: clinical testing. Allele origin: germline.